The following is an entry in ClinVar:

ClinVar aggregate classification (germline): Uncertain significance. Review status: criteria provided, multiple submitters, no conflicts (2 of 4 stars). 3 submissions from 3 submitters: Uncertain significance (3). Last evaluated 2026-01-08.

Conditions:
Hereditary cancer-predisposing syndrome. Also called: Neoplastic Syndromes, Hereditary; Tumor predisposition; Hereditary Cancer Syndrome; Hereditary neoplastic syndrome. Identifiers: Orphanet 140162, MedGen C0027672, MeSH D009386, MONDO:0015356.
Familial adenomatous polyposis 1 (FAP1). Also called: FAMILIAL ADENOMATOUS POLYPOSIS 1, ATTENUATED; POLYPOSIS, ADENOMATOUS INTESTINAL. Identifiers: MedGen C2713442, MONDO:0021056, OMIM 175100. Disease mechanism: loss of function.

Submissions (3):

Labcorp Genetics (formerly Invitae), Labcorp
Classification: Uncertain significance for Familial adenomatous polyposis 1. Last evaluated: 2026-01-08. Review status: criteria provided, single submitter. Criteria: Invitae Variant Classification Sherloc (09022015). Collection method: clinical testing. Allele origin: germline.
Comment: This sequence change replaces threonine, which is neutral and polar, with proline, which is neutral and non-polar, at codon 1932 of the APC protein (p.Thr1932Pro). This variant is not present in population databases (gnomAD no frequency). This variant has not been reported in the literature in individuals affected with APC-related conditions. ClinVar contains an entry for this variant (Variation ID: 926846). Invitae Evidence Modeling of protein sequence and biophysical properties (such as structural, functional, and spatial information, amino acid conservation, physicochemical variation, residue mobility, and thermodynamic stability) indicates that this missense variant is not expected to disrupt APC protein function with a negative predictive value of 95%. In summary, the available evidence is currently insufficient to determine the role of this variant in disease. Therefore, it has been classified as a Variant of Uncertain Significance.

Ambry Genetics
Classification: Uncertain significance for Hereditary cancer-predisposing syndrome. Last evaluated: 2022-05-12. Review status: criteria provided, single submitter. Criteria: Ambry Variant Classification Scheme 2023. Collection method: clinical testing. Allele origin: germline.
Comment: The p.T1932P variant (also known as c.5794A>C), located in coding exon 15 of the APC gene, results from an A to C substitution at nucleotide position 5794. The threonine at codon 1932 is replaced by proline, an amino acid with highly similar properties. This amino acid position is conserved. In addition, in silico predictors for this gene do not accurately predict pathogenicity. Since supporting evidence is limited at this time, the clinical significance of this alteration remains unclear.

Color Diagnostics, LLC DBA Color Health
Classification: Uncertain significance for Hereditary cancer-predisposing syndrome. Last evaluated: 2019-04-03. Review status: criteria provided, single submitter. Criteria: ACMG Guidelines, 2015. Collection method: clinical testing. Allele origin: germline.

NM_000038.6(APC):c.5794A>C (p.Thr1932Pro)

Gene: APC (APC regulator of Wnt signaling pathway; plus strand). Cytogenetic location: 5q22.2.
Variant type: single nucleotide variant.
Coding change: c.5794A>C on transcript NM_000038.6 (MANE Select); coding-DNA position 5794, A replaced by C.
Protein change: p.Thr1932Pro; replaces threonine 1932 with proline.
Molecular consequence: missense variant.
Genome position (GRCh38, 1-based): chr5:112,841,388, A>C. VCF-style: chr5-112841388-A-C. GRCh37 (hg19) VCF-style: chr5-112177085-A-C.
Other names: c.5521A>C, p.Thr1841Pro (NM_001354902.2); c.5794A>C, p.Thr1932Pro (NM_001127510.3, NM_001354895.2); c.5740A>C, p.Thr1914Pro (NM_001127511.3); c.5848A>C, p.Thr1950Pro (NM_001354896.2); c.5824A>C, p.Thr1942Pro (NM_001354897.2); c.5719A>C, p.Thr1907Pro (NM_001354898.2); c.5710A>C, p.Thr1904Pro (NM_001354899.2); c.5671A>C, p.Thr1891Pro (NM_001354900.2); and 5 more; short protein forms T1806P, T1831P, T1907P, T1772P, T1904P, T1891P, T1942P, T1649P.
Identifiers: ClinVar variation 926846 (VCV000926846.14), dbSNP rs777604445, ClinGen allele CA16034008.